The following is an entry in ClinVar:

NM_018026.4(PACS1):c.1427C>T (p.Pro476Leu)

Gene: PACS1 (phosphofurin acidic cluster sorting protein 1; plus strand). Cytogenetic location: 11q13.2.
Variant type: single nucleotide variant.
Coding change: c.1427C>T on transcript NM_018026.4 (MANE Select); coding-DNA position 1427, C replaced by T.
Protein change: p.Pro476Leu; replaces proline 476 with leucine.
Molecular consequence: missense variant.
Genome position (GRCh38, 1-based): chr11:66,230,600, C>T. VCF-style: chr11-66230600-C-T. GRCh37 (hg19) VCF-style: chr11-65998071-C-T.
Other names: short protein forms P476L.
Identifiers: ClinVar variation 2142455 (VCV002142455.5), dbSNP rs562418648, ClinGen allele CA224032849.
Genomic context (GRCh38, chr11:66,230,600, plus strand): 5'-CATGGTAGGAAATCACTGACCAGGACATGTTTGGAGATGCCAGCACGAGTCTGGTTGTGC[C>T]GGAGAAAGTCAAAACTCCCATGAAGTCCAGTAAAACGGATCTCCAGGGCTCTGCCTCCCC-3'
Protein context (NP_060496.2, residues 466-486): FGDASTSLVV[Pro476Leu]EKVKTPMKSS

ClinVar aggregate classification (germline): Conflicting classifications of pathogenicity. Review status: criteria provided, conflicting classifications (1 of 4 stars). 2 submissions from 2 submitters: Uncertain significance (1); Benign (1). Last evaluated 2025-11-17.

Conditions:
Schuurs-Hoeijmakers syndrome. Also called: PACS1-Related Neurodevelopmental Disorder. Identifiers: Orphanet 329224, MedGen C3554343, MONDO:0014006, OMIM 615009.

Allele frequency attached by ClinVar (database versions not stated): 1000 Genomes Project 0.00020; 1000 Genomes Project 30x 0.00031.
gnomAD v4.1: 16 of 1,613,992 alleles (0.00099%); highest among the groups gnomAD compares: East Asian, 0.0022%; no homozygotes.

Submissions (2):

Women's Health and Genetics/Laboratory Corporation of America, LabCorp
Classification: Uncertain significance. Last evaluated: 2025-11-17. Review status: criteria provided, single submitter. Criteria: LabCorp Variant Classification Summary - May 2015. Collection method: clinical testing. Allele origin: germline.
Comment: Variant summary: PACS1 c.1427C>T (p.Pro476Leu) results in a non-conservative amino acid change in the encoded protein sequence. Algorithms developed to predict the effect of missense changes on protein structure and function are either unavailable or do not agree on the potential impact of this missense change. The variant allele was found at a frequency of 8e-06 in 251486 control chromosomes. The available data on variant occurrences in the general population are insufficient to allow any conclusion about variant significance. To our knowledge, no occurrence of c.1427C>T in individuals affected with PACS1-related conditions and no experimental evidence demonstrating its impact on protein function have been reported. ClinVar contains an entry for this variant (Variation ID: 2142455). Based on the evidence outlined above, the variant was classified as uncertain significance.

Labcorp Genetics (formerly Invitae), Labcorp
Classification: Benign for Schuurs-Hoeijmakers syndrome. Last evaluated: 2025-10-20. Review status: criteria provided, single submitter. Criteria: Invitae Variant Classification Sherloc (09022015). Collection method: clinical testing. Allele origin: germline.